The following is an entry in ClinVar:

ClinVar aggregate classification (germline): Likely benign. Review status: criteria provided, multiple submitters, no conflicts (2 of 4 stars). 3 submissions from 3 submitters: Likely benign (2). 1 of the submissions does not count toward it. Last evaluated 2026-02-03.

Conditions:
PNPT1-related disorder. Also called: PNPT1-related condition; PNPT1-related disorders.

Submissions (3):

Labcorp Genetics (formerly Invitae), Labcorp
Classification: Likely benign. Last evaluated: 2026-02-03. Review status: criteria provided, single submitter. Criteria: Invitae Variant Classification Sherloc (09022015). Collection method: clinical testing. Allele origin: germline.

GeneDx
Classification: Likely benign. Last evaluated: 2018-08-24. Review status: criteria provided, single submitter. Criteria: GeneDx Variant Classification Process June 2021. Collection method: clinical testing. Allele origin: germline. Affected: yes.

PreventionGenetics, part of Exact Sciences
Classification: Likely benign for PNPT1-related condition. Last evaluated: 2020-02-10. Review status: no assertion criteria provided. Collection method: clinical testing. Allele origin: germline. Not counted in ClinVar's aggregate classification.
Comment: This variant is classified as likely benign based on ACMG/AMP sequence variant interpretation guidelines (Richards et al. 2015 PMID: 25741868, with internal and published modifications).

NM_033109.5(PNPT1):c.1176+7del

Gene: PNPT1 (polyribonucleotide nucleotidyltransferase 1; minus strand). Cytogenetic location: 2p16.1.
Variant type: Deletion.
Coding change: c.1176+7del on transcript NM_033109.5 (MANE Select); 7 bases into the intron after coding-DNA position 1176, one base deleted (T; older notation c.1176+7delT).
Molecular consequence: intron variant.
Genome position (GRCh38, 1-based): chr2:55,666,984, A deleted on the plus strand (T on the coding strand, the reverse complement: PNPT1 is on the minus strand); the first of 3 consecutive A bases (chr2:55,666,984-55,666,986); deleting any one gives the same sequence. VCF-style (leftmost placement, unchanged base first): chr2-55666983-TA-T. GRCh37 (hg19) VCF-style: chr2-55894118-TA-T.
Identifiers: ClinVar variation 421462 (VCV000421462.11), dbSNP rs781277694, ClinGen allele CA1668210.
Genomic context (GRCh38, chr2:55,666,983, plus strand): 5'-GTACTTCTATTAGATCTAATTAAACAATCTTAATTTAGCAAATAATTAGAGCTTTTTATA[TA>T]AATTACCTGTGTTTGTCCTCTTTGAAATAATGCTGATCCATGAAGGGTTTTAAACATATC-3'